The following is an entry in ClinVar:

NM_000245.4(MET):c.4170A>G (p.Ser1390=)

Gene: MET (MET proto-oncogene, receptor tyrosine kinase; plus strand). Cytogenetic location: 7q31.2.
Variant type: single nucleotide variant.
Coding change: c.4170A>G on transcript NM_000245.4 (MANE Select); coding-DNA position 4170, A replaced by G.
Protein change: p.Ser1390=; no amino-acid change (serine 1390 retained).
Molecular consequence: synonymous variant.
Genome position (GRCh38, 1-based): chr7:116,796,121, A>G. VCF-style: chr7-116796121-A-G. GRCh37 (hg19) VCF-style: chr7-116436175-A-G.
Other names: c.4224A>G, p.Ser1408= (NM_001127500.3); c.2880A>G, p.Ser960= (NM_001324402.2).
Identifiers: ClinVar variation 757223 (VCV000757223.11), dbSNP rs1584978746, ClinGen allele CA457462774.
Genomic context (GRCh38, chr7:116,796,121, plus strand): 5'-ATCAGAAGATAACGCTGATGATGAGGTGGACACACGACCAGCCTCCTTCTGGGAGACATC[A>G]TAGTGCTAGTACTATGTCAAAGCAACAGTCCACACTTTGTCCAATGGTTTTTTCACTGCC-3'
Protein context (NP_000236.2, residues 1380-1390): DTRPASFWET[Ser1390=]

ClinVar aggregate classification (germline): Benign/Likely benign. Review status: criteria provided, multiple submitters, no conflicts (2 of 4 stars). 3 submissions from 3 submitters: Benign (1); Likely benign (2). Last evaluated 2025-12-28.

Conditions:
Renal cell carcinoma. Identifiers: Orphanet 217071, MedGen C0007134, MeSH D002292, MONDO:0005086, HP:0005584.
Papillary renal cell carcinoma type 1 (RCCP1). Also called: RENAL CELL CARCINOMA, PAPILLARY, 1, SOMATIC; Renal adenocarcinoma; Renal cell carcinoma 1; Renal cell carcinoma, somatic. Identifiers: Orphanet 47044, MedGen C1336839, OMIM 605074, HP:0011797.
Hereditary cancer-predisposing syndrome. Also called: Hereditary Cancer Syndrome; Hereditary neoplastic syndrome; Neoplastic Syndromes, Hereditary; Tumor predisposition. Identifiers: Orphanet 140162, MedGen C0027672, MeSH D009386, MONDO:0015356.

Submissions (3):

Labcorp Genetics (formerly Invitae), Labcorp
Classification: Likely benign for Renal cell carcinoma. Last evaluated: 2025-12-28. Review status: criteria provided, single submitter. Criteria: Invitae Variant Classification Sherloc (09022015). Collection method: clinical testing. Allele origin: germline.

Myriad Genetics, Inc.
Classification: Benign for Papillary renal cell carcinoma type 1. Last evaluated: 2024-11-15. Review status: criteria provided, single submitter. Criteria: Myriad Autosomal Dominant, Autosomal Recessive and X-Linked Classification Criteria (2023). Collection method: clinical testing. Allele origin: unknown.
Comment: This variant is considered benign. This variant is a silent/synonymous amino acid change and it is not expected to impact splicing.

Ambry Genetics
Classification: Likely benign for Hereditary cancer-predisposing syndrome. Last evaluated: 2020-09-14. Review status: criteria provided, single submitter. Criteria: Ambry Variant Classification Scheme 2023. Collection method: clinical testing. Allele origin: germline.